The following is an entry in ClinVar:

NM_006486.3(FBLN1):c.1058G>A (p.Arg353His)

Gene: FBLN1 (fibulin 1; plus strand). Cytogenetic location: 22q13.31.
Variant type: single nucleotide variant.
Coding change: c.1058G>A on transcript NM_006486.3 (MANE Select); coding-DNA position 1058, G replaced by A.
Protein change: p.Arg353His; replaces arginine 353 with histidine.
Molecular consequence: missense variant.
Genome position (GRCh38, 1-based): chr22:45,541,364, G>A. VCF-style: chr22-45541364-G-A. GRCh37 (hg19) VCF-style: chr22-45937244-G-A.
Other names: c.1058G>A, p.Arg353His (NM_001996.4, NM_006485.4, NM_006487.3); short protein forms R353H.
Identifiers: ClinVar variation 3093301 (VCV003093301.2), dbSNP rs746653271, ClinGen allele CA10286782.

ClinVar aggregate classification (germline): Uncertain significance. Review status: criteria provided, multiple submitters, no conflicts (2 of 4 stars). 2 submissions from 2 submitters: Uncertain significance (2). Last evaluated 2026-06-04.

Conditions:
FBLN1-related disorder. Also called: FBLN1-related condition.

gnomAD v4.1: 58 of 1,614,128 alleles (0.0036%); highest among the groups gnomAD compares: East Asian, 0.047%; no homozygotes.

Submissions (2):

PreventionGenetics, part of Exact Sciences
Classification: Uncertain significance for FBLN1-related condition. Last evaluated: 2026-06-04. Review status: criteria provided, single submitter. Criteria: ACMG Guidelines, 2015. Collection method: clinical testing. Allele origin: germline.
Comment: The FBLN1 c.1058G>A variant is predicted to result in the amino acid substitution p.Arg353His. To our knowledge, this variant has not been reported in the literature. This variant is reported in 0.0080% of alleles in individuals of African descent in gnomAD. At this time, the clinical significance of this variant is uncertain due to the absence of conclusive functional and genetic evidence.

Ambry Genetics
Classification: Uncertain significance. Last evaluated: 2024-02-13. Review status: criteria provided, single submitter. Criteria: Ambry Variant Classification Scheme 2023. Collection method: clinical testing. Allele origin: germline.